The following is an entry in ClinVar:

ClinVar aggregate classification (germline): Uncertain significance. Review status: criteria provided, multiple submitters, no conflicts (2 of 4 stars). 2 submissions from 2 submitters: Uncertain significance (2). Last evaluated 2025-09-05.

Conditions:
Inborn genetic diseases. Identifiers: MedGen C0950123, MeSH D030342.
Kufor-Rakeb syndrome (KRS). Also called: PARKINSON DISEASE 9, AUTOSOMAL RECESSIVE, JUVENILE-ONSET. Identifiers: Orphanet 306674, Orphanet 314632, MedGen C1847640, MONDO:0011706, OMIM 606693.
Autosomal recessive spastic paraplegia type 78. Identifiers: Orphanet 513436, MedGen C5567893, MONDO:0014975, OMIM 617225.

Allele frequency attached by ClinVar (database versions not stated): gnomAD 0.00003; gnomAD exomes 0.00003; ExAC 0.00004; TOPMed 0.00004; ESP Exome Variant Server 0.00015; 1000 Genomes Project 30x 0.00016.
gnomAD v4.1: 48 of 1,614,064 alleles (0.003%); highest among the groups gnomAD compares: African/African-American, 0.004%; no homozygotes.

Submissions (3):

Ambry Genetics
Classification: Uncertain significance for Inborn genetic diseases. Last evaluated: 2025-09-05. Review status: criteria provided, single submitter. Criteria: Ambry Variant Classification Scheme 2023. Collection method: clinical testing. Allele origin: germline.

Labcorp Genetics (formerly Invitae), Labcorp
Classification: Uncertain significance for Kufor-Rakeb syndrome; Autosomal recessive spastic paraplegia type 78. Last evaluated: 2023-08-10. Review status: criteria provided, single submitter. Criteria: Invitae Variant Classification Sherloc (09022015). Collection method: clinical testing. Allele origin: germline.
Comment: This sequence change replaces arginine, which is basic and polar, with tryptophan, which is neutral and slightly polar, at codon 451 of the ATP13A2 protein (p.Arg451Trp). This variant is present in population databases (rs139065780, gnomAD 0.007%). This variant has not been reported in the literature in individuals affected with ATP13A2-related conditions. ClinVar contains an entry for this variant (Variation ID: 2072551). An algorithm developed to predict the effect of missense changes on protein structure and function (PolyPhen-2) suggests that this variant is likely to be disruptive. In summary, the available evidence is currently insufficient to determine the role of this variant in disease. Therefore, it has been classified as a Variant of Uncertain Significance.

Dr. Peter K. Rogan Lab, Western University
No classification provided (evidence only). Condition: Malignant tumor of esophagus. Review status: no classification provided. Collection method: in vitro. Allele origin: not applicable. Functional consequence: retained intron. Not counted in ClinVar's aggregate classification.

NM_022089.4(ATP13A2):c.1351C>T (p.Arg451Trp)

Gene: ATP13A2 (ATPase cation transporting 13A2; minus strand). Cytogenetic location: 1p36.13.
Variant type: single nucleotide variant.
Coding change: c.1351C>T on transcript NM_022089.4 (MANE Select); coding-DNA position 1351, C replaced by T.
Protein change: p.Arg451Trp; replaces arginine 451 with tryptophan.
Molecular consequence: missense variant.
Genome position (GRCh38, 1-based): chr1:16,996,256, G>A on the plus strand (C>T on the coding strand, the complement: ATP13A2 is on the minus strand). VCF-style: chr1-16996256-G-A. GRCh37 (hg19) VCF-style: chr1-17322751-G-A.
Other names: c.1336C>T, p.Arg446Trp (NM_001141973.3, NM_001141974.3); c.1351C>T (NM_022089.2); short protein forms R446W, R451W.
Identifiers: ClinVar variation 2072551 (VCV002072551.6), dbSNP rs139065780, ClinGen allele CA637257.